The following is an entry in ClinVar:

NM_001195263.2(PDZD7):c.1028C>T (p.Pro343Leu)

Gene: PDZD7 (PDZ domain containing 7; minus strand). Cytogenetic location: 10q24.31.
Variant type: single nucleotide variant.
Coding change: c.1028C>T on transcript NM_001195263.2 (MANE Select); coding-DNA position 1028, C replaced by T.
Protein change: p.Pro343Leu; replaces proline 343 with leucine.
Molecular consequence: missense variant.
Genome position (GRCh38, 1-based): chr10:101,019,118, G>A on the plus strand (C>T on the coding strand, the complement: PDZD7 is on the minus strand). VCF-style: chr10-101019118-G-A. GRCh37 (hg19) VCF-style: chr10-102778875-G-A.
Other names: c.1028C>T, p.Pro343Leu (NM_001351044.2, NM_024895.5); short protein forms P343L.
Identifiers: ClinVar variation 838995 (VCV000838995.10), dbSNP rs963223923, ClinGen allele CA212984298.

ClinVar aggregate classification (germline): Uncertain significance (1 of 4 stars; one submission).

Allele frequency attached by ClinVar (database versions not stated): TOPMed below 0.00001.
gnomAD v4.1: 4 of 1,551,520 alleles (0.00026%); highest among the groups gnomAD compares: South Asian, 0.0035%; no homozygotes.

Submission:

Labcorp Genetics (formerly Invitae), Labcorp
Classification: Uncertain significance. Last evaluated: 2019-12-27. Review status: criteria provided, single submitter. Criteria: Invitae Variant Classification Sherloc (09022015). Collection method: clinical testing. Allele origin: germline.
Comment: In summary, the available evidence is currently insufficient to determine the role of this variant in disease. Therefore, it has been classified as a Variant of Uncertain Significance. Algorithms developed to predict the effect of missense changes on protein structure and function are either unavailable or do not agree on the potential impact of this missense change (SIFT: "Deleterious"; PolyPhen-2: "Not Available"; Align-GVGD: "Class C65"). This variant has not been reported in the literature in individuals with PDZD7-related conditions. The frequency data for this variant in the population databases is considered unreliable, as metrics indicate insufficient coverage at this position in the ExAC database. This sequence change replaces proline with leucine at codon 343 of the PDZD7 protein (p.Pro343Leu). The proline residue is highly conserved and there is a moderate physicochemical difference between proline and leucine.